The following is an entry in ClinVar:

NM_001540.5(HSPB1):c.475C>T (p.Pro159Ser)

Gene: HSPB1 (heat shock protein family B (small) member 1; plus strand). Cytogenetic location: 7q11.23.
Variant type: single nucleotide variant.
Coding change: c.475C>T on transcript NM_001540.5 (MANE Select); coding-DNA position 475, C replaced by T.
Protein change: p.Pro159Ser; replaces proline 159 with serine.
Molecular consequence: missense variant.
Genome position (GRCh38, 1-based): chr7:76,304,030, C>T. VCF-style: chr7-76304030-C-T. GRCh37 (hg19) VCF-style: chr7-75933347-C-T.
Other names: short protein forms P159S.
Identifiers: ClinVar variation 3632510 (VCV003632510.2).
Genomic context (GRCh38, chr7:76,304,030, plus strand): 5'-CTCTGCACGTCCAGGCTGCCCCCCGGTGTGGACCCCACCCAAGTTTCCTCCTCCCTGTCC[C>T]CTGAGGGCACACTGACCGTGGAGGCCCCCATGCCCAAGCTAGCCACGCAGTCCAACGAGA-3'
Protein context (NP_001531.1, residues 149-169): DPTQVSSSLS[Pro159Ser]EGTLTVEAPM

ClinVar aggregate classification (germline): Uncertain significance (1 of 4 stars; one submission).

Conditions:
Charcot-Marie-Tooth disease axonal type 2F (CMT2F). Also called: Charcot-Marie-Tooth Neuropathy Type 2F; CHARCOT-MARIE-TOOTH DISEASE, NEURONAL, TYPE 2F. Identifiers: Orphanet 99940, MedGen C1847823, MONDO:0011687, OMIM 606595.

Submission:

Labcorp Genetics (formerly Invitae), Labcorp
Classification: Uncertain significance for Charcot-Marie-Tooth disease axonal type 2F. Last evaluated: 2024-07-27. Review status: criteria provided, single submitter. Criteria: Invitae Variant Classification Sherloc (09022015). Collection method: clinical testing. Allele origin: germline.
Comment: This sequence change replaces proline, which is neutral and non-polar, with serine, which is neutral and polar, at codon 159 of the HSPB1 protein (p.Pro159Ser). This variant is not present in population databases (gnomAD no frequency). This variant has not been reported in the literature in individuals affected with HSPB1-related conditions. Advanced modeling of protein sequence and biophysical properties (such as structural, functional, and spatial information, amino acid conservation, physicochemical variation, residue mobility, and thermodynamic stability) has been performed at Invitae for this missense variant, however the output from this modeling did not meet the statistical confidence thresholds required to predict the impact of this variant on HSPB1 protein function. In summary, the available evidence is currently insufficient to determine the role of this variant in disease. Therefore, it has been classified as a Variant of Uncertain Significance.